The following is an entry in ClinVar:

NM_000038.6(APC):c.-18-2858T>C

Gene: APC (APC regulator of WNT signaling pathway; plus strand). Cytogenetic location: 5q22.2.
Variant type: single nucleotide variant.
Coding change: c.-18-2858T>C on transcript NM_000038.6 (MANE Select); 2858 bases into the intron before 18 bases upstream of the start codon, T replaced by C.
Molecular consequence: intron variant.
Genome position (GRCh38, 1-based): chr5:112,752,015, T>C. VCF-style: chr5-112752015-T-C. GRCh37 (hg19) VCF-style: chr5-112087712-T-C.
Other names: c.-18-2858T>C (NM_001354895.2, NM_001127510.3, NM_001354896.2 and 2 more transcripts); c.166-14311T>C (NM_001354897.2, NM_001354902.2, NM_001127511.3); c.60+13555T>C (NM_001354898.2, NM_001354904.2); c.-1053-2858T>C (NM_001354906.2); c.-43+14090T>C (NM_001354900.2, NM_001354901.2, NM_001354905.2).
Identifiers: ClinVar variation 82803 (VCV000082803.2), dbSNP rs76885576, ClinGen allele CA006065.
Genomic context (GRCh38, chr5:112,752,015, plus strand): 5'-TTTTCCTCATCTTTGGCATGAACATATGATTTTTTCCCATATCTATTATGTTAAATGATA[T>C]AATTAATTTTCTAATAGTGACTTTTTCATTGTAAATTATATTTTTCATCTCTTTTGGGAT-3'

ClinVar aggregate classification (germline): other (0 of 4 stars; one submission).

Conditions:
Familial colorectal cancer. Identifiers: MedGen CN280943, MONDO:0023113. Disease mechanism: loss of function.

Allele frequency attached by ClinVar (database versions not stated): gnomAD 0.06657 and 0.06658; TOPMed 0.07392; 1000 Genomes Project 30x 0.10400; 1000 Genomes Project 0.10563.
gnomAD v4.1: 10,089 of 152,146 alleles (6.6%); highest among the groups gnomAD compares: African/African-American, 16%; 687 homozygotes.

Submission:

Systems Biology Platform Zhejiang California International NanoSystems Institute
Classification: other for Familial colorectal cancer. Review status: no assertion criteria provided. Collection method: not provided. Allele origin: unknown.
ClinVar note: Converted during submission from cancer to other.